The following is an entry in ClinVar:

ClinVar aggregate classification (germline): Uncertain significance (1 of 4 stars; one submission).

Conditions:
Familial adenomatous polyposis 1 (FAP1). Also called: FAMILIAL ADENOMATOUS POLYPOSIS 1, ATTENUATED; POLYPOSIS, ADENOMATOUS INTESTINAL. Identifiers: MedGen C2713442, MONDO:0021056, OMIM 175100. Disease mechanism: loss of function.

Allele frequency attached by ClinVar (database versions not stated): TOPMed 0.00002.
gnomAD v4.1: 12 of 1,370,422 alleles (0.00088%); highest among the groups gnomAD compares: Non-Finnish European, 0.00077%; no homozygotes.

Submission:

Labcorp Genetics (formerly Invitae), Labcorp
Classification: Uncertain significance for Familial adenomatous polyposis 1. Last evaluated: 2026-01-19. Review status: criteria provided, single submitter. Criteria: Invitae Variant Classification Sherloc (09022015). Collection method: clinical testing. Allele origin: germline.
Comment: This variant occurs in a non-coding region of the APC gene. It does not change the encoded amino acid sequence of the APC protein. This variant is not present in population databases (gnomAD no frequency). This variant has not been reported in the literature in individuals affected with APC-related conditions. ClinVar contains an entry for this variant (Variation ID: 537671). Experimental studies and prediction algorithms are not available or were not evaluated, and the functional significance of this variant is currently unknown. In summary, the available evidence is currently insufficient to determine the role of this variant in disease. Therefore, it has been classified as a Variant of Uncertain Significance.

NM_001127511.3(APC):c.119G>A (p.Ser40Asn)

Gene: APC (APC regulator of Wnt signaling pathway; plus strand). Cytogenetic location: 5q22.2.
Variant type: single nucleotide variant.
Coding change: c.119G>A on transcript NM_001127511.3; coding-DNA position 119, G replaced by A.
Protein change: p.Ser40Asn; replaces serine 40 with asparagine.
Molecular consequence: missense variant. On other transcripts: 5 prime UTR variant (8), non-coding transcript variant (1), intron variant (5).
Genome position (GRCh38, 1-based): chr5:112,707,836, G>A. VCF-style: chr5-112707836-G-A. GRCh37 (hg19) VCF-style: chr5-112043533-G-A.
Other names: c.-65G>A (NM_001354895.2, NM_001407447.1, NM_001407452.1 and 3 more transcripts); c.119G>A, p.Ser40Asn (NM_001354897.2, NM_001354902.2, NM_001407446.1); c.-1100G>A (NM_001407470.1, NM_001407472.1); c.-19+187G>A (NM_001407448.1, NM_001407450.1, NM_001407457.1 and 1 more transcripts); c.-43+187G>A (NM_001407453.1); short protein forms S40N.
Identifiers: ClinVar variation 537671 (VCV000537671.9), dbSNP rs587778028, ClinGen allele CA360612041.
Genomic context (GRCh38, chr5:112,707,836, plus strand): 5'-CAGTTCTCGGGTCCTGGAGCACCGGCGGCAGCAGGAGCTGCGTCCGGCAGGAGACGAAGA[G>A]CCCGGGCGGCGCTCGTACTTCTGGCCACTGGGCGAGCGTCTGGCAGGTGAGTGAGGCTGC-3'